The following is an entry in ClinVar:

NC_000002.11:g.(?_31558824)_(31637532_?)del

Gene: XDH (xanthine dehydrogenase; minus strand). Cytogenetic location: 2p23.1.
Variant type: Deletion.
Identifiers: ClinVar variation 2422980 (VCV002422980.4).

ClinVar aggregate classification (germline): Pathogenic (1 of 4 stars; one submission).

Conditions:
Xanthinuria type II. Also called: Xanthine dehydrogenase and aldehyde oxidase combined deficiency of; XDH and AOX dual deficiency. Identifiers: Orphanet 3467, Orphanet 93602, MedGen C1863688, MONDO:0011346, OMIM 603592.

Submission:

Labcorp Genetics (formerly Invitae), Labcorp
Classification: Pathogenic for Xanthinuria type II. Last evaluated: 2022-07-03. Review status: criteria provided, single submitter. Criteria: Invitae Variant Classification Sherloc (09022015). Collection method: clinical testing. Allele origin: germline.
Comment: For these reasons, this variant has been classified as Pathogenic. This variant has not been reported in the literature in individuals affected with XDH-related conditions. A gross deletion of the genomic region encompassing the full coding sequence of the XDH gene has been identified. Loss-of-function variants in XDH are known to be pathogenic (PMID: 9153281). The boundaries of this event are unknown as they extend beyond the assayed region for this gene and therefore may encompass additional genes.

Literature cited by the submitters: PubMed 9153281.